The following is an entry in ClinVar:

NM_001271.4(CHD2):c.3G>T (p.Met1Ile)

Gene: CHD2 (chromodomain helicase DNA binding protein 2; plus strand). Cytogenetic location: 15q26.1.
Variant type: single nucleotide variant.
Coding change: c.3G>T on transcript NM_001271.4 (MANE Select); coding-DNA position 3, G replaced by T.
Protein change: p.Met1Ile; changes the start codon (methionine 1).
Molecular consequence: missense variant, initiator codon variant.
Genome position (GRCh38, 1-based): chr15:92,901,240, G>T. VCF-style: chr15-92901240-G-T. GRCh37 (hg19) VCF-style: chr15-93444470-G-T.
Other names: c.3G>T, p.Met1Ile (NM_001042572.3); short protein forms M1I.
Identifiers: ClinVar variation 3378031 (VCV003378031.1).

ClinVar aggregate classification (germline): Uncertain significance (1 of 4 stars; one submission).

Submission:

GeneDx
Classification: Uncertain significance. Last evaluated: 2024-05-13. Review status: criteria provided, single submitter. Criteria: GeneDx Variant Classification Process June 2021. Collection method: clinical testing. Allele origin: germline. Affected: yes.
Comment: Not observed at significant frequency in large population cohorts (gnomAD); Initiation codon variant in a gene for which loss of function is a known mechanism of disease; however downstream Methionine is observed and functional data is not available to determine whether this variant is disruptive in this transcript; Has not been previously published as pathogenic or benign to our knowledge